The following is an entry in ClinVar:

ClinVar aggregate classification (germline): Uncertain significance. Review status: criteria provided, multiple submitters, no conflicts (2 of 4 stars). 2 submissions from 2 submitters: Uncertain significance (2). Last evaluated 2024-11-05.

Conditions:
Hereditary cancer-predisposing syndrome. Also called: Hereditary Cancer Syndrome; Tumor predisposition; Neoplastic Syndromes, Hereditary; Hereditary neoplastic syndrome. Identifiers: Orphanet 140162, MedGen C0027672, MeSH D009386, MONDO:0015356.
Hereditary pheochromocytoma and paraganglioma. Also called: Hereditary pheochromocytoma-paraganglioma; Hereditary paragangliomas and pheochromocytomas; Hereditary Paraganglioma-Pheochromocytoma Syndromes. Identifiers: Orphanet 29072, MedGen C4274332, MONDO:0017366.

Allele frequency attached by ClinVar (database versions not stated): gnomAD exomes below 0.00001.
gnomAD v4.1: 2 of 1,614,068 alleles (0.00012%); highest among the groups gnomAD compares: Non-Finnish European, 0.00017%; no homozygotes.

Submissions (2):

Ambry Genetics
Classification: Uncertain significance for Hereditary cancer-predisposing syndrome. Last evaluated: 2024-11-05. Review status: criteria provided, single submitter. Criteria: Ambry Variant Classification Scheme 2023. Collection method: clinical testing. Allele origin: germline.
Comment: The p.I131V variant (also known as c.391A>G), located in coding exon 5 of the MAX gene, results from an A to G substitution at nucleotide position 391. The isoleucine at codon 131 is replaced by valine, an amino acid with highly similar properties. This amino acid position is not well conserved in available vertebrate species. In addition, this alteration is predicted to be tolerated by in silico analysis. Based on the available evidence, the clinical significance of this variant remains unclear.

Labcorp Genetics (formerly Invitae), Labcorp
Classification: Uncertain significance for Hereditary pheochromocytoma and paraganglioma. Last evaluated: 2024-07-30. Review status: criteria provided, single submitter. Criteria: Invitae Variant Classification Sherloc (09022015). Collection method: clinical testing. Allele origin: germline.
Comment: This sequence change replaces isoleucine, which is neutral and non-polar, with valine, which is neutral and non-polar, at codon 131 of the MAX protein (p.Ile131Val). This variant is not present in population databases (gnomAD no frequency). This variant has not been reported in the literature in individuals affected with MAX-related conditions. ClinVar contains an entry for this variant (Variation ID: 824378). Advanced modeling performed at Invitae incorporating data from internal and/or published experimental studies (Invitae) indicates that this missense variant is not expected to disrupt MAX function with a negative predictive value of 95%. In summary, the available evidence is currently insufficient to determine the role of this variant in disease. Therefore, it has been classified as a Variant of Uncertain Significance.

NM_002382.5(MAX):c.391A>G (p.Ile131Val)

Gene: MAX (MYC associated transcriptional regulator X; minus strand). Cytogenetic location: 14q23.3.
Variant type: single nucleotide variant.
Coding change: c.391A>G on transcript NM_002382.5 (MANE Select); coding-DNA position 391, A replaced by G.
Protein change: p.Ile131Val; replaces isoleucine 131 with valine.
Molecular consequence: missense variant. On other transcripts: 3 prime UTR variant (1), intron variant (2).
Genome position (GRCh38, 1-based): chr14:65,076,568, T>C on the plus strand (A>G on the coding strand, the complement: MAX is on the minus strand). VCF-style: chr14-65076568-T-C. GRCh37 (hg19) VCF-style: chr14-65543286-T-C.
Other names: c.202A>G, p.Ile68Val (NM_001320415.2, NM_001407105.1, NM_001407106.1 and 1 more transcripts); c.391A>G, p.Ile131Val (NM_001407094.1); c.364A>G, p.Ile122Val (NM_001407095.1, NM_145112.3); c.*164A>G (NM_001407096.1, NM_001407099.1, NM_001407102.1 and 2 more transcripts); c.*180A>G (NM_001407097.1, NM_001407100.1, NM_001407101.1 and 4 more transcripts); c.283A>G, p.Ile95Val (NM_001407098.1); c.190A>G, p.Ile64Val (NM_001407111.1, NM_001407112.1); c.144+17140A>G (NM_001271069.2); and 1 more; short protein forms I131V, I122V, I68V, I64V, I95V.
Identifiers: ClinVar variation 824378 (VCV000824378.16), dbSNP rs1595127131, ClinGen allele CA390031619.
Genomic context (GRCh38, chr14:65,076,568, plus strand): 5'-TTTGGGGCTCTTCAGGCTCAGACTCCGAGCTGGAGTCCGAGCCCCCATCGAAGGCAGAGA[T>C]GGTGCTGCCCTTGGCGTTGGTGTAGAGGCTGTTGTCTGAGGAGGGGTAGTTGGTCTGCAG-3'
Protein context (NP_002373.3, residues 121-141): SLYTNAKGST[Ile131Val]SAFDGGSDSS